The following is an entry in ClinVar:

NM_001378454.1(ALMS1):c.558C>T (p.Asp186=)

Gene: ALMS1 (ALMS1 centrosome and basal body associated protein; plus strand). Cytogenetic location: 2p13.1.
Variant type: single nucleotide variant.
Coding change: c.558C>T on transcript NM_001378454.1 (MANE Select); coding-DNA position 558, C replaced by T.
Protein change: p.Asp186=; no amino-acid change (aspartic acid 186 retained).
Molecular consequence: synonymous variant.
Genome position (GRCh38, 1-based): chr2:73,419,230, C>T. VCF-style: chr2-73419230-C-T. GRCh37 (hg19) VCF-style: chr2-73646358-C-T.
Other names: c.561C>T, p.Asp187= (NM_015120.4).
Identifiers: ClinVar variation 699593 (VCV000699593.16), dbSNP rs370228166, ClinGen allele CA1712881.

ClinVar aggregate classification (germline): Likely benign. Review status: criteria provided, multiple submitters, no conflicts (2 of 4 stars). 6 submissions from 6 submitters: Likely benign (4). 2 of the submissions do not count toward it. Last evaluated 2026-01-25.

Conditions:
ALMS1-related disorder. Also called: ALMS1-related condition.
Cardiovascular phenotype. Identifiers: MedGen CN230736.
Alstrom syndrome (ALMS). Identifiers: Orphanet 64, MedGen C0268425, MONDO:0008763, OMIM 203800.

Allele frequency attached by ClinVar (database versions not stated): gnomAD exomes 0.00002 and 0.00011; gnomAD 0.00005; TOPMed 0.00005; ExAC 0.00009; ESP Exome Variant Server 0.00017.
gnomAD v4.1: 30 of 1,613,882 alleles (0.0019%); highest among the groups gnomAD compares: East Asian, 0.038%; no homozygotes.

Submissions (6):

Labcorp Genetics (formerly Invitae), Labcorp
Classification: Likely benign for Alstrom syndrome. Last evaluated: 2026-01-25. Review status: criteria provided, single submitter. Criteria: Invitae Variant Classification Sherloc (09022015). Collection method: clinical testing. Allele origin: germline.

Blueprint Genetics
Classification: Likely benign. Last evaluated: 2024-10-07. Review status: criteria provided, single submitter. Criteria: ACMG Guidelines, 2015. Collection method: clinical testing. Allele origin: germline.

Women's Health and Genetics/Laboratory Corporation of America, LabCorp
Classification: Likely benign. Last evaluated: 2023-03-27. Review status: criteria provided, single submitter. Criteria: LabCorp Variant Classification Summary - May 2015. Collection method: clinical testing. Allele origin: germline.

Ambry Genetics
Classification: Likely benign for Cardiovascular phenotype. Last evaluated: 2019-03-28. Review status: criteria provided, single submitter. Criteria: Ambry Variant Classification Scheme 2023. Collection method: clinical testing. Allele origin: germline.

PreventionGenetics, part of Exact Sciences
Classification: Likely benign for ALMS1-related condition. Last evaluated: 2023-06-30. Review status: no assertion criteria provided. Collection method: clinical testing. Allele origin: germline. Not counted in ClinVar's aggregate classification.
Comment: This variant is classified as likely benign based on ACMG/AMP sequence variant interpretation guidelines (Richards et al. 2015 PMID: 25741868, with internal and published modifications).

Natera, Inc.
Classification: Uncertain significance for Alstrom syndrome. Last evaluated: 2020-02-13. Review status: no assertion criteria provided. Collection method: clinical testing. Allele origin: germline. Not counted in ClinVar's aggregate classification.